The following is an entry in ClinVar:

NC_000017.11:g.(?_58734108)_(58734232_?)del

Gene: RAD51C (RAD51 paralog C; plus strand). Cytogenetic location: 17q22.
Variant type: Deletion.
Identifiers: ClinVar variation 832510 (VCV000832510.1).

ClinVar aggregate classification (germline): Likely pathogenic (1 of 4 stars; one submission).

Conditions:
Fanconi anemia complementation group O. Also called: RAD51C-Related Fanconi Anemia. Identifiers: Orphanet 84, MedGen C3150653, MONDO:0013248, OMIM 613390.

Submission:

Labcorp Genetics (formerly Invitae), Labcorp
Classification: Likely pathogenic for Fanconi anemia, complementation group O. Last evaluated: 2019-05-19. Review status: criteria provided, single submitter. Criteria: Invitae Variant Classification Sherloc (09022015). Collection method: clinical testing. Allele origin: germline.
Comment: This variant is a gross deletion of the genomic region encompassing exon 9 of the RAD51C gene. The 5' boundary is likely confined to intron 8. The 3' end of this event is unknown as it extends through the termination codon beyond the assayed region for this gene and may encompass additional genes. While this deletion is not anticipated to result in nonsense mediated decay, it is expected to create a truncated protein product or disrupt mRNA translation. This variant has not been reported in the literature in individuals with RAD51C-related disease. This variant is expected to delete a portion of the C-terminal region of the RAD51C protein containing the nuclear localization signal (NLS) (residues Arg366-Leu376) (PMID: 12966089). Although functional studies have not been performed for this particular variant, disruption of the NLS likely impairs RAD51C function and suggests that deletion of this region of the CHEK2 protein is causative of disease. In summary, the currently available evidence indicates that the variant is pathogenic, but additional data are needed to prove that conclusively. Therefore, this variant has been classified as Likely Pathogenic.

Literature cited by the submitters: PubMed 12966089.